The following is an entry in ClinVar:

NM_014236.4(GNPAT):c.2031T>C (p.Thr677=)

Gene: GNPAT (glyceronephosphate O-acyltransferase; plus strand). Cytogenetic location: 1q42.2.
Variant type: single nucleotide variant.
Coding change: c.2031T>C on transcript NM_014236.4 (MANE Select); coding-DNA position 2031, T replaced by C.
Protein change: p.Thr677=; no amino-acid change (threonine 677 retained).
Molecular consequence: synonymous variant.
Genome position (GRCh38, 1-based): chr1:231,277,530, T>C. VCF-style: chr1-231277530-T-C. GRCh37 (hg19) VCF-style: chr1-231413276-T-C.
Other names: c.1848T>C, p.Thr616= (NM_001316350.2).
Identifiers: ClinVar variation 618666 (VCV000618666.20), dbSNP rs150459993, ClinGen allele CA1452204.
Genomic context (GRCh38, chr1:231,277,530, plus strand): 5'-CATGAGCTGCTTCTCTTTTTTCATCTTAGGTTGTAAGACACCAATAGGAAAACCAGCCAC[T>C]GCAAAACTTTAATAATCAACAAATAGTTATGGAAAATTCGGTCACGTAATTACTCTCATC-3'
Protein context (NP_055051.1, residues 667-680): GCKTPIGKPA[Thr677=]AKL

ClinVar aggregate classification (germline): Likely benign. Review status: criteria provided, multiple submitters, no conflicts (2 of 4 stars). 3 submissions from 3 submitters: Likely benign (2). 1 of the submissions does not count toward it. Last evaluated 2026-01-16.

Conditions:
GNPAT-related disorder. Also called: GNPAT-related condition.

Allele frequency attached by ClinVar (database versions not stated): gnomAD exomes 0.00005 and 0.00013; ExAC 0.00012; ESP Exome Variant Server 0.00046; 1000 Genomes Project 30x 0.00047; gnomAD 0.00056 and 0.00060; 1000 Genomes Project 0.00060; TOPMed 0.00074.
gnomAD v4.1: 163 of 1,583,298 alleles (0.01%); highest among the groups gnomAD compares: African/African-American, 0.2%; no homozygotes.

Submissions (3):

Labcorp Genetics (formerly Invitae), Labcorp
Classification: Likely benign. Last evaluated: 2026-01-16. Review status: criteria provided, single submitter. Criteria: Invitae Variant Classification Sherloc (09022015). Collection method: clinical testing. Allele origin: germline.

ARUP Laboratories, Molecular Genetics and Genomics, ARUP Laboratories
Classification: Likely benign. Last evaluated: 2018-02-23. Review status: criteria provided, single submitter. Criteria: ARUP Molecular Germline Variant Investigation Process. Collection method: clinical testing. Allele origin: germline.
Comment: The c.2031T>C; p.Thr677Thr variant (rs150459993) does not alter the amino acid sequence of the GNPAT protein and computational splice site prediction algorithms do not predict a change in the nearest splice site or creation of a cryptic splice site. This variant has not been reported in medical literature or in gene specific variation databases. This variant is listed in the genome Aggregation Database (gnomAD) with an overall population frequency of 0.02% (identified on 48 out of 277,202 chromosomes). Based on the available information, the c.2031T>C variant is likely to be benign.

PreventionGenetics, part of Exact Sciences
Classification: Likely benign for GNPAT-related condition. Last evaluated: 2019-07-30. Review status: no assertion criteria provided. Collection method: clinical testing. Allele origin: germline. Not counted in ClinVar's aggregate classification.
Comment: This variant is classified as likely benign based on ACMG/AMP sequence variant interpretation guidelines (Richards et al. 2015 PMID: 25741868, with internal and published modifications).